The following is an entry in ClinVar:

NM_022786.3(ARV1):c.384del (p.Asp129fs)

Gene: ARV1 (ARV1 fatty acid homeostasis modulator; plus strand). Cytogenetic location: 1q42.2.
Variant type: Deletion.
Coding change: c.384del on transcript NM_022786.3 (MANE Select); coding-DNA position 384, one base deleted (T; older notation c.384delT).
Protein change: p.Asp129fs; shifts the reading frame from aspartic acid 129.
Molecular consequence: frameshift variant. On other transcripts: non-coding transcript variant (1).
Genome position (GRCh38, 1-based): chr1:230,990,199, T deleted. VCF-style (leftmost placement, unchanged base first): chr1-230990198-CT-C. GRCh37 (hg19) VCF-style: chr1-231125944-CT-C.
Other names: c.384del, p.Asp129fs (NM_001346992.2); short protein forms D129fs.
Identifiers: ClinVar variation 3775589 (VCV003775589.2).

ClinVar aggregate classification (germline): Pathogenic (1 of 4 stars; one submission).

Conditions:
Developmental and epileptic encephalopathy, 38 (DEE38). Also called: Epileptic encephalopathy, early infantile, 38. Identifiers: MedGen C4310762, MONDO:0014868, OMIM 617020.

Submission:

3billion
Classification: Pathogenic for Developmental and epileptic encephalopathy, 38. Last evaluated: 2024-09-05. Review status: criteria provided, single submitter. Criteria: ACMG Guidelines, 2015. Collection method: clinical testing. Allele origin: germline. Affected: yes.
Comment: The variant is observed at an extremely low frequency in the gnomAD v4.0.0 dataset (total allele frequency: <0.001%). Predicted Consequence/Location: Frameshift: predicted to result in a loss or disruption of normal protein function through nonsense-mediated decay (NMD) or protein truncation. Multiple pathogenic variants are reported downstream of the variant. The variant has been reported to be associated with ARV1 related disorder (3billion dataset). Therefore, this variant is classified as Pathogenic according to the recommendation of ACMG/AMP guideline.